The following is an entry in ClinVar:

ClinVar aggregate classification (germline): Likely benign (1 of 4 stars; one submission).

Allele frequency attached by ClinVar (database versions not stated): gnomAD exomes 0.00001; TOPMed below 0.00001; ExAC 0.00001.
gnomAD v4.1: 6 of 1,614,234 alleles (0.00037%); highest among the groups gnomAD compares: Non-Finnish European, 0.00051%; no homozygotes.

Submission:

Laboratory for Molecular Medicine, Mass General Brigham Personalized Medicine
Classification: Likely benign. Last evaluated: 2015-05-05. Review status: criteria provided, single submitter. Criteria: LMM Criteria. Collection method: clinical testing. Allele origin: germline. Observed: 1 variant allele.
Comment: p.Gly195Gly in exon 4A of EDN3: This variant is not expected to have clinical si gnificance because it does not alter an amino acid residue, is not located withi n the splice consensus sequence and has been identified in 1/66644 European chro mosomes by the Exome Aggregation Consortium (ExAC, g).

NM_207034.3(EDN3):c.585G>C (p.Gly195=)

Gene: EDN3 (endothelin 3; plus strand). Cytogenetic location: 20q13.32.
Variant type: single nucleotide variant.
Coding change: c.585G>C on transcript NM_207034.3 (MANE Select); coding-DNA position 585, G replaced by C.
Protein change: p.Gly195=; no amino-acid change (glycine 195 retained).
Molecular consequence: synonymous variant. On other transcripts: intron variant (2).
Genome position (GRCh38, 1-based): chr20:59,322,414, G>C. VCF-style: chr20-59322414-G-C. GRCh37 (hg19) VCF-style: chr20-57897469-G-C.
Other names: c.585G>C, p.Gly195= (NM_001302455.2, NM_207032.3); c.542+1221G>C (NM_207033.3, NM_001302456.2).
Identifiers: ClinVar variation 227349 (VCV000227349.4), dbSNP rs760582150, ClinGen allele CA9930417.